The following is an entry in ClinVar:

NM_001267550.2(TTN):c.34570C>T (p.Arg11524Ter)

Gene: TTN (titin; minus strand). Cytogenetic location: 2q31.2.
Variant type: single nucleotide variant.
Coding change: c.34570C>T on transcript NM_001267550.2 (MANE Select); coding-DNA position 34570, C replaced by T.
Protein change: p.Arg11524Ter; replaces arginine 11524 with a stop codon.
Molecular consequence: nonsense. On other transcripts: intron variant (3).
Genome position (GRCh38, 1-based): chr2:178,675,081, G>A on the plus strand (C>T on the coding strand, the complement: TTN is on the minus strand). VCF-style: chr2-178675081-G-A. GRCh37 (hg19) VCF-style: chr2-179539808-G-A.
Other names: c.33448C>T, p.Arg11150Ter (NM_001256850.1); c.30667C>T, p.Arg10223Ter (NM_133378.4); c.13283-32764C>T (NM_003319.4); c.13859-32764C>T (NM_133437.4); c.13658-32764C>T (NM_133432.3); c.34570C>T (NM_001267550.1); short protein forms R11524*, R10223*, R11150*.
Identifiers: ClinVar variation 535046 (VCV000535046.19), dbSNP rs1441434215, ClinGen allele CA349524427.
Genomic context (GRCh38, chr2:178,675,081, plus strand): 5'-TCTTAGAAAGTTATCTACCTTCAACTGGTAGAACTTCCTCTTCTTTAGGGAGAATGATTC[G>A]TTTTTCTTCCACCTTCTTAGGCACCTCAGGAACTTGAGAGACATTGATTATTTTAGACAC-3'

ClinVar aggregate classification (germline): Conflicting classifications of pathogenicity. Review status: criteria provided, conflicting classifications (1 of 4 stars). 6 submissions from 6 submitters: Likely pathogenic (2); Uncertain significance (4). Last evaluated 2026-01-28.

Conditions:
TTN-related disorder. Also called: TTN-related disorders; TTN-related condition; TTN-related disease.
Autosomal recessive limb-girdle muscular dystrophy type 2J (LGMDR10). Also called: Limb-girdle muscular dystrophy, type 2J; MUSCULAR DYSTROPHY, LIMB-GIRDLE, AUTOSOMAL RECESSIVE 10. Identifiers: Orphanet 140922, MedGen C1837342, MONDO:0012127, OMIM 608807.
Dilated cardiomyopathy 1G (CMD1G). Identifiers: Orphanet 154, MedGen C1858763, MONDO:0011400, OMIM 604145.
Hypertrophic cardiomyopathy 9. Also called: Familial hypertrophic cardiomyopathy 9. Identifiers: MedGen C1861065, MONDO:0013412, OMIM 613765.
Tibial muscular dystrophy (TMD). Also called: UDD MYOPATHY; Udd Distal Myopathy – Tibial Muscular Dystrophy; Tibial muscular dystrophy, tardive. Identifiers: Orphanet 609, MedGen C1838244, MONDO:0010870, OMIM 600334.
Early-onset myopathy with fatal cardiomyopathy (CMYO5). Also called: CONGENITAL MYOPATHY 5 WITH CARDIOMYOPATHY; Salih Myopathy. Identifiers: Orphanet 289377, MedGen C2673677, MONDO:0012714, OMIM 611705. Disease mechanism: loss of function.
Myopathy, myofibrillar, 9, with early respiratory failure (MFM9). Also called: EDSTROM MYOPATHY; MYOPATHY, PROXIMAL, WITH EARLY RESPIRATORY MUSCLE INVOLVEMENT; Hereditary myopathy with early respiratory failure; Myopathy, distal, with early respiratory failure, autosomal dominant. Identifiers: Orphanet 178464, Orphanet 34521, MedGen C1863599, MONDO:0011362, OMIM 603689.
Cardiomyopathy (CMYO). Also called: Cardiomyopathies. Identifiers: Orphanet 167848, MedGen C0878544, MONDO:0004994, HP:0001638. Inheritance: Various modes of inheritance.

Allele frequency attached by ClinVar (database versions not stated): gnomAD 0.00001.
gnomAD v4.1: 16 of 1,558,500 alleles (0.001%); highest among the groups gnomAD compares: East Asian, 0.005%; no homozygotes.

Submissions (6):

Labcorp Genetics (formerly Invitae), Labcorp
Classification: Likely pathogenic for Dilated cardiomyopathy 1G; Autosomal recessive limb-girdle muscular dystrophy type 2J. Last evaluated: 2026-01-28. Review status: criteria provided, single submitter. Criteria: Invitae Variant Classification Sherloc (09022015). Collection method: clinical testing. Allele origin: germline.
Comment: This sequence change creates a premature translational stop signal (p.Arg11524*) in the TTN gene. While this is not anticipated to result in nonsense mediated decay, it is expected to create a truncated TTN protein. This variant is present in population databases (no rsID available, gnomAD 0.007%). This variant has not been reported in the literature in individuals affected with TTN-related conditions. ClinVar contains an entry for this variant (Variation ID: 535046). Algorithms developed to predict the effect of sequence changes on RNA splicing suggest that this variant may disrupt the consensus splice site. This variant is located in the I band of TTN (PMID: 25589632). Truncating variants in this region have been reported in individuals affected with autosomal recessive centronuclear myopathy (PMID: 23975875, internal data). Truncating variants in this region have also been identified in individuals affected with autosomal dominant dilated cardiomyopathy and/or cardio-related conditions (PMID: 27869827, 32964742, internal data). In summary, the currently available evidence indicates that the variant is pathogenic, but additional data are needed to prove that conclusively. Therefore, this variant has been classified as Likely Pathogenic.

GeneDx
Classification: Uncertain significance. Last evaluated: 2025-09-09. Review status: criteria provided, single submitter. Criteria: GeneDx Variant Classification Process June 2021. Collection method: clinical testing. Allele origin: germline. Affected: yes.
Comment: Not observed at significant frequency in large population cohorts (gnomAD); Nonsense variant predicted to result in protein truncation or nonsense mediated decay in a region of a gene for which loss of function is not a well-established mechanism of disease; Has not been previously published as pathogenic or benign to our knowledge

Revvity Omics, Revvity
Classification: Uncertain significance. Last evaluated: 2023-12-26. Review status: criteria provided, single submitter. Criteria: ACMG Guidelines, 2015. Collection method: clinical testing. Allele origin: germline.

Laboratorio de Genetica e Diagnostico Molecular, Hospital Israelita Albert Einstein
Classification: Likely pathogenic for TTN-related disease. Last evaluated: 2022-04-01. Review status: criteria provided, single submitter. Criteria: ACMG Guidelines, 2015. Collection method: clinical testing. Allele origin: germline.
Comment: ACMG classification criteria: PVS1 very strong, PM2 moderated

Fulgent Genetics
Classification: Uncertain significance for Tibial muscular dystrophy; Myopathy, myofibrillar, 9, with early respiratory failure; Dilated cardiomyopathy 1G; Autosomal recessive limb-girdle muscular dystrophy type 2J; Early-onset myopathy with fatal cardiomyopathy; Hypertrophic cardiomyopathy 9. Last evaluated: 2021-09-04. Review status: criteria provided, single submitter. Criteria: ACMG Guidelines, 2015. Collection method: clinical testing. Allele origin: unknown.

CHEO Genetics Diagnostic Laboratory, Children's Hospital of Eastern Ontario
Classification: Uncertain significance for Cardiomyopathy. Last evaluated: 2018-10-19. Review status: criteria provided, single submitter. Criteria: ACMG Guidelines, 2015. Collection method: clinical testing. Allele origin: germline.

Literature cited by the submitters: PubMed 25589632 (cited by Labcorp Genetics (formerly Invitae), Labcorp); PubMed 23975875 (cited by Labcorp Genetics (formerly Invitae), Labcorp); PubMed 27869827 (cited by Labcorp Genetics (formerly Invitae), Labcorp); PubMed 32964742 (cited by Labcorp Genetics (formerly Invitae), Labcorp).